The following is an entry in ClinVar:

NM_025137.4(SPG11):c.1636A>C (p.Asn546His)

Gene: SPG11 (SPG11 vesicle trafficking associated, spatacsin; minus strand). Cytogenetic location: 15q21.1.
Variant type: single nucleotide variant.
Coding change: c.1636A>C on transcript NM_025137.4 (MANE Select); coding-DNA position 1636, A replaced by C.
Protein change: p.Asn546His; replaces asparagine 546 with histidine.
Molecular consequence: missense variant.
Genome position (GRCh38, 1-based): chr15:44,633,604, T>G on the plus strand (A>C on the coding strand, the complement: SPG11 is on the minus strand). VCF-style: chr15-44633604-T-G. GRCh37 (hg19) VCF-style: chr15-44925802-T-G.
Other names: c.1636A>C, p.Asn546His (NM_001160227.2); short protein forms N546H.
Identifiers: ClinVar variation 834739 (VCV000834739.9), dbSNP rs1006002015, ClinGen allele CA270084402.

ClinVar aggregate classification (germline): Uncertain significance (1 of 4 stars; one submission).

Conditions:
Hereditary spastic paraplegia 11. Also called: Spastic paraplegia, mental retardation and thin corpus callosum; Nakamura Osame syndrome; Autosomal recessive hereditary spastic paraplegia, mental impairment, and thin corpus callosum; SPASTIC PARAPLEGIA, AUTOSOMAL RECESSIVE, COMPLICATED, WITH THIN CORPUS CALLOSUM; SPASTIC PARAPLEGIA, AUTOSOMAL RECESSIVE, WITH MENTAL IMPAIRMENT AND THIN CORPUS CALLOSUM; Spastic Paraplegia 11. Identifiers: Orphanet 2822, MedGen C1858479, MONDO:0011445, OMIM 604360.

Allele frequency attached by ClinVar (database versions not stated): gnomAD exomes below 0.00001.

Submission:

Labcorp Genetics (formerly Invitae), Labcorp
Classification: Uncertain significance for Hereditary spastic paraplegia 11. Last evaluated: 2021-01-05. Review status: criteria provided, single submitter. Criteria: Invitae Variant Classification Sherloc (09022015). Collection method: clinical testing. Allele origin: germline.
Comment: This sequence change replaces asparagine with histidine at codon 546 of the SPG11 protein (p.Asn546His). The asparagine residue is weakly conserved and there is a small physicochemical difference between asparagine and histidine. This variant is not present in population databases (ExAC no frequency). This variant has not been reported in the literature in individuals with SPG11-related conditions. Algorithms developed to predict the effect of missense changes on protein structure and function are either unavailable or do not agree on the potential impact of this missense change (SIFT: "Deleterious"; PolyPhen-2: "Benign"; Align-GVGD: "Class C0"). In summary, the available evidence is currently insufficient to determine the role of this variant in disease. Therefore, it has been classified as a Variant of Uncertain Significance.